The following is an entry in ClinVar:

NM_145059.3(FCSK):c.1864G>C (p.Gly622Arg)

Gene: FCSK (fucose kinase; plus strand). Cytogenetic location: 16q22.1.
Variant type: single nucleotide variant.
Coding change: c.1864G>C on transcript NM_145059.3 (MANE Select); coding-DNA position 1864, G replaced by C.
Protein change: p.Gly622Arg; replaces glycine 622 with arginine.
Molecular consequence: missense variant.
Genome position (GRCh38, 1-based): chr16:70,474,215, G>C. VCF-style: chr16-70474215-G-C. GRCh37 (hg19) VCF-style: chr16-70508118-G-C.
Other names: short protein forms G622R.
Identifiers: ClinVar variation 2024496 (VCV002024496.4), dbSNP rs2507438557, ClinGen allele CA396571661.

ClinVar aggregate classification (germline): Uncertain significance (1 of 4 stars; one submission).

Submission:

Labcorp Genetics (formerly Invitae), Labcorp
Classification: Uncertain significance. Last evaluated: 2024-01-17. Review status: criteria provided, single submitter. Criteria: Invitae Variant Classification Sherloc (09022015). Collection method: clinical testing. Allele origin: germline.
Comment: This sequence change replaces glycine, which is neutral and non-polar, with arginine, which is basic and polar, at codon 622 of the FUK protein (p.Gly622Arg). This variant is not present in population databases (gnomAD no frequency). This variant has not been reported in the literature in individuals affected with FUK-related conditions. ClinVar contains an entry for this variant (Variation ID: 2024496). An algorithm developed to predict the effect of missense changes on protein structure and function (PolyPhen-2) suggests that this variant is likely to be disruptive. In summary, the available evidence is currently insufficient to determine the role of this variant in disease. Therefore, it has been classified as a Variant of Uncertain Significance.